The following is an entry in ClinVar:

ClinVar aggregate classification (germline): Uncertain significance. Review status: criteria provided, multiple submitters, no conflicts (2 of 4 stars). 4 submissions from 4 submitters: Uncertain significance (4). Last evaluated 2021-04-28.

Conditions:
Cardiomyopathy (CMYO). Also called: Cardiomyopathies. Identifiers: Orphanet 167848, MedGen C0878544, MONDO:0004994, HP:0001638. Inheritance: Various modes of inheritance.
Dilated cardiomyopathy 1G (CMD1G). Identifiers: Orphanet 154, MedGen C1858763, MONDO:0011400, OMIM 604145.
Autosomal recessive limb-girdle muscular dystrophy type 2J (LGMDR10). Also called: Limb-girdle muscular dystrophy, type 2J; MUSCULAR DYSTROPHY, LIMB-GIRDLE, AUTOSOMAL RECESSIVE 10. Identifiers: Orphanet 140922, MedGen C1837342, MONDO:0012127, OMIM 608807.

Allele frequency attached by ClinVar (database versions not stated): gnomAD below 0.00001 and 0.00001; TOPMed below 0.00001; gnomAD exomes 0.00001 and 0.00002; ExAC 0.00004.
gnomAD v4.1: 24 of 1,610,230 alleles (0.0015%); highest among the groups gnomAD compares: South Asian, 0.022%; no homozygotes.

Submissions (4):

Athena Diagnostics
Classification: Uncertain significance. Last evaluated: 2021-04-28. Review status: criteria provided, single submitter. Criteria: Athena Diagnostics criteria. Collection method: clinical testing. Allele origin: unknown.

Women's Health and Genetics/Laboratory Corporation of America, LabCorp
Classification: Uncertain significance. Last evaluated: 2021-04-26. Review status: criteria provided, single submitter. Criteria: LabCorp Variant Classification Summary - May 2015. Collection method: clinical testing. Allele origin: germline.
Comment: Variant summary: TTN c.29924C>T (p.Pro9975Leu) results in a non-conservative amino acid change located in the I-band of the encoded protein sequence. Three of four in-silico tools predict a damaging effect of the variant on protein function. The variant allele was found at a frequency of 2e-05 in 245774 control chromosomes. The available data on variant occurrences in the general population are insufficient to allow any conclusion about variant significance. To our knowledge, no occurrence of c.29924C>T in individuals affected with Dilated Cardiomyopathy and no experimental evidence demonstrating its impact on protein function have been reported. Two clinical diagnostic laboratories have submitted clinical-significance assessments for this variant to ClinVar after 2014 without evidence for independent evaluation. Both laboratories classified the variant as uncertain significance. Based on the evidence outlined above, the variant was classified as uncertain significance.

CHEO Genetics Diagnostic Laboratory, Children's Hospital of Eastern Ontario
Classification: Uncertain significance for Cardiomyopathy. Last evaluated: 2017-11-28. Review status: criteria provided, single submitter. Criteria: ACMG Guidelines, 2015. Collection method: clinical testing. Allele origin: germline.

Labcorp Genetics (formerly Invitae), Labcorp
Classification: Uncertain significance for Dilated cardiomyopathy 1G; Autosomal recessive limb-girdle muscular dystrophy type 2J. Last evaluated: 2017-04-22. Review status: criteria provided, single submitter. Criteria: Invitae Variant Classification Sherloc (09022015). Collection method: clinical testing. Allele origin: germline.

NM_001267550.2(TTN):c.33656C>T (p.Pro11219Leu)

Gene: TTN (titin; minus strand). Cytogenetic location: 2q31.2.
Variant type: single nucleotide variant.
Coding change: c.33656C>T on transcript NM_001267550.2 (MANE Select); coding-DNA position 33656, C replaced by T.
Protein change: p.Pro11219Leu; replaces proline 11219 with leucine.
Molecular consequence: missense variant. On other transcripts: intron variant (3).
Genome position (GRCh38, 1-based): chr2:178,679,607, G>A on the plus strand (C>T on the coding strand, the complement: TTN is on the minus strand). VCF-style: chr2-178679607-G-A. GRCh37 (hg19) VCF-style: chr2-179544334-G-A.
Other names: c.32705C>T, p.Pro10902Leu (NM_001256850.1); c.29924C>T, p.Pro9975Leu (NM_133378.4); c.13283-37290C>T (NM_003319.4); c.13859-37290C>T (NM_133437.4); c.13658-37290C>T (NM_133432.3); c.33656C>T (NM_001267550.1); short protein forms P11219L, P10902L, P9975L.
Identifiers: ClinVar variation 404853 (VCV000404853.7), dbSNP rs757268986, ClinGen allele CA1998286.